The following is an entry in ClinVar:

NM_002524.5(NRAS):c.*5A>G

Gene: NRAS (NRAS proto-oncogene, GTPase; minus strand). Cytogenetic location: 1p13.2.
Variant type: single nucleotide variant.
Coding change: c.*5A>G on transcript NM_002524.5 (MANE Select); 5 bases downstream of the stop codon, A replaced by G.
Molecular consequence: 3 prime UTR variant.
Genome position (GRCh38, 1-based): chr1:114,708,192, T>C on the plus strand (A>G on the coding strand, the complement: NRAS is on the minus strand). VCF-style: chr1-114708192-T-C. GRCh37 (hg19) VCF-style: chr1-115250813-T-C.
Other names: c.*5A>G (LRG_92t1).
Identifiers: ClinVar variation 378279 (VCV000378279.1), dbSNP rs909455480, ClinGen allele CA16603394.
Genomic context (GRCh38, chr1:114,708,192, plus strand): 5'-TACATTTCCAAACTTGTCCTACCTTGAAAGTGGCTCTTTTCTGACAAAACTTTAAAAGTA[T>C]CTGTAAAAAAAGAACAGAAACCATGTCCTTATTAACTAGTTTCAAAGTAGTGATCCTTCA-3'

ClinVar aggregate classification (germline): Likely benign (1 of 4 stars; one submission).

Allele frequency attached by ClinVar (database versions not stated): gnomAD 0.00004; gnomAD exomes 0.00004; TOPMed 0.00006.
gnomAD v4.1: 11 of 256,622 alleles (0.0043%); highest among the groups gnomAD compares: Non-Finnish European, 0.0067%; no homozygotes.

Submission:

GeneDx
Classification: Likely benign. Last evaluated: 2015-12-31. Review status: criteria provided, single submitter. Criteria: GeneDx Variant Classification (06012015). Collection method: clinical testing. Allele origin: germline. Affected: yes.
Comment: This variant is considered likely benign or benign based on one or more of the following criteria: it is a conservative change, it occurs at a poorly conserved position in the protein, it is predicted to be benign by multiple in silico algorithms, and/or has population frequency not consistent with disease.